The following is an entry in ClinVar:

NM_000388.4(CASR):c.859A>C (p.Asn287His)

Gene: CASR (calcium sensing receptor; plus strand). Cytogenetic location: 3q21.1.
Variant type: single nucleotide variant.
Coding change: c.859A>C on transcript NM_000388.4 (MANE Select); coding-DNA position 859, A replaced by C.
Protein change: p.Asn287His; replaces asparagine 287 with histidine.
Molecular consequence: missense variant.
Genome position (GRCh38, 1-based): chr3:122,261,894, A>C. VCF-style: chr3-122261894-A-C. GRCh37 (hg19) VCF-style: chr3-121980741-A-C.
Other names: c.859A>C, p.Asn287His (NM_001178065.2); short protein forms N287H.
Identifiers: ClinVar variation 1363404 (VCV001363404.8), dbSNP rs2107632409, ClinGen allele CA354151501.
Genomic context (GRCh38, chr3:122,261,894, plus strand): 5'-ATCGTGGTTTTCTCCAGTGGCCCAGATCTTGAGCCCCTCATCAAGGAGATTGTCCGGCGC[A>C]ATATCACGGGCAAGATCTGGCTGGCCAGCGAGGCCTGGGCCAGCTCCTCCCTGATCGCCA-3'
Protein context (NP_000379.3, residues 277-297): EPLIKEIVRR[Asn287His]ITGKIWLASE

ClinVar aggregate classification (germline): Uncertain significance (1 of 4 stars; one submission).

Conditions:
Familial hypocalciuric hypercalcemia (FHH). Also called: Familial benign hypercalcemia. Identifiers: Orphanet 405, MedGen C1809471, MONDO:0018458.
Autosomal dominant hypocalcemia 1 (HYPOC1). Also called: HYPOCALCEMIA, FAMILIAL. Identifiers: MedGen C3715128, MONDO:0011013, OMIM 601198.

Submission:

Labcorp Genetics (formerly Invitae), Labcorp
Classification: Uncertain significance for Familial hypocalciuric hypercalcemia; Autosomal dominant hypocalcemia 1. Last evaluated: 2024-05-29. Review status: criteria provided, single submitter. Criteria: Invitae Variant Classification Sherloc (09022015). Collection method: clinical testing. Allele origin: germline.
Comment: This sequence change replaces asparagine, which is neutral and polar, with histidine, which is basic and polar, at codon 287 of the CASR protein (p.Asn287His). This variant is not present in population databases (gnomAD no frequency). This variant has not been reported in the literature in individuals affected with CASR-related conditions. ClinVar contains an entry for this variant (Variation ID: 1363404). An algorithm developed to predict the effect of missense changes on protein structure and function (PolyPhen-2) suggests that this variant is likely to be disruptive. In summary, the available evidence is currently insufficient to determine the role of this variant in disease. Therefore, it has been classified as a Variant of Uncertain Significance.